The following is an entry in ClinVar:

ClinVar aggregate classification (germline): Uncertain significance (1 of 4 stars; one submission).

Submission:

Laboratory for Molecular Medicine, Mass General Brigham Personalized Medicine
Classification: Uncertain significance. Last evaluated: 2016-01-19. Review status: criteria provided, single submitter. Criteria: LMM Criteria. Collection method: clinical testing. Allele origin: germline. Observed: 1 variant allele.
Comment: The c.1991+4C>A variant in OTOG has not been previously reported in individuals with hearing loss. Data from large population studies are insufficient to assess the frequency of this variant. This variant is located in the 5' splice region. Computational tools do not suggest an impact to splicing. However, this informa tion is not predictive enough to rule out pathogenicity. In summary, the clinica l significance of the c.1991+4C>A variant is uncertain.

NM_001292063.2(OTOG):c.1955+4C>A

Gene: OTOG (otogelin; plus strand). Cytogenetic location: 11p15.1.
Variant type: single nucleotide variant.
Coding change: c.1955+4C>A on transcript NM_001292063.2 (MANE Select); 4 bases into the intron after coding-DNA position 1955, C replaced by A.
Molecular consequence: intron variant.
Genome position (GRCh38, 1-based): chr11:17,570,394, C>A. VCF-style: chr11-17570394-C-A. GRCh37 (hg19) VCF-style: chr11-17591941-C-A.
Other names: c.1991+4C>A (NM_001277269.2).
Identifiers: ClinVar variation 229085 (VCV000229085.5), dbSNP rs757779986, ClinGen allele CA10576858.